The following is an entry in ClinVar:

NM_024589.3(ROGDI):c.747C>T (p.Cys249=)

Gene: ROGDI (rogdi atypical leucine zipper; minus strand). Cytogenetic location: 16p13.3.
Variant type: single nucleotide variant.
Coding change: c.747C>T on transcript NM_024589.3 (MANE Select); coding-DNA position 747, C replaced by T.
Protein change: p.Cys249=; no amino-acid change (cysteine 249 retained).
Molecular consequence: synonymous variant. On other transcripts: non-coding transcript variant (1).
Genome position (GRCh38, 1-based): chr16:4,797,789, G>A on the plus strand (C>T on the coding strand, the complement: ROGDI is on the minus strand). VCF-style: chr16-4797789-G-A. GRCh37 (hg19) VCF-style: chr16-4847790-G-A.
Identifiers: ClinVar variation 697126 (VCV000697126.21), dbSNP rs375794279, ClinGen allele CA7882503.

ClinVar aggregate classification (germline): Likely benign. Review status: criteria provided, multiple submitters, no conflicts (2 of 4 stars). 4 submissions from 4 submitters: Likely benign (3). 1 of the submissions does not count toward it. Last evaluated 2025-12-11.

Conditions:
ROGDI-related disorder. Also called: ROGDI-related condition.
Amelocerebrohypohidrotic syndrome (KTZS). Also called: Kohlschutter's syndrome; KOHLSCHUTTER SYNDROME; EPILEPSY AND YELLOW TEETH; EPILEPSY, DEMENTIA, AND AMELOGENESIS IMPERFECTA. Identifiers: Orphanet 1946, MedGen C0406740, MONDO:0009185, OMIM 226750.

Allele frequency attached by ClinVar (database versions not stated): gnomAD exomes 0.00004 and 0.00011; gnomAD 0.00005; TOPMed 0.00005; ExAC 0.00008; ESP Exome Variant Server 0.00015.
gnomAD v4.1: 161 of 1,613,358 alleles (0.01%); highest among the groups gnomAD compares: South Asian, 0.021%; no homozygotes.

Submissions (4):

Labcorp Genetics (formerly Invitae), Labcorp
Classification: Likely benign for Amelocerebrohypohidrotic syndrome. Last evaluated: 2025-12-11. Review status: criteria provided, single submitter. Criteria: Invitae Variant Classification Sherloc (09022015). Collection method: clinical testing. Allele origin: germline.

CeGaT Center for Human Genetics Tuebingen
Classification: Likely benign. Last evaluated: 2025-06-01. Review status: criteria provided, single submitter. Criteria: CeGaT Center For Human Genetics Tuebingen Variant Classification Criteria Version 2. Collection method: clinical testing. Allele origin: germline. Affected: yes. Observed: 1 variant allele.
Comment: ROGDI: BP4, BP7

Blueprint Genetics
Classification: Likely benign. Last evaluated: 2024-01-23. Review status: criteria provided, single submitter. Criteria: ACMG Guidelines, 2015. Collection method: clinical testing. Allele origin: germline.

PreventionGenetics, part of Exact Sciences
Classification: Likely benign for ROGDI-related condition. Last evaluated: 2019-09-10. Review status: no assertion criteria provided. Collection method: clinical testing. Allele origin: germline. Not counted in ClinVar's aggregate classification.
Comment: This variant is classified as likely benign based on ACMG/AMP sequence variant interpretation guidelines (Richards et al. 2015 PMID: 25741868, with internal and published modifications).